The following is an entry in ClinVar:

ClinVar aggregate classification (germline): Uncertain significance (1 of 4 stars; one submission).

Conditions:
DiGeorge syndrome. Also called: THIRD AND FOURTH PHARYNGEAL POUCH SYNDROME; Catch22. Identifiers: Orphanet 567, MedGen C0012236, MONDO:0008564, OMIM 188400.

Allele frequency attached by ClinVar (database versions not stated): gnomAD exomes below 0.00001.

Submission:

Labcorp Genetics (formerly Invitae), Labcorp
Classification: Uncertain significance for DiGeorge syndrome. Last evaluated: 2025-04-14. Review status: criteria provided, single submitter. Criteria: Invitae Variant Classification Sherloc (09022015). Collection method: clinical testing. Allele origin: germline.
Comment: This sequence change replaces methionine, which is neutral and non-polar, with valine, which is neutral and non-polar, at codon 157 of the TBX1 protein (p.Met157Val). This variant is not present in population databases (gnomAD no frequency). This variant has not been reported in the literature in individuals affected with TBX1-related conditions. ClinVar contains an entry for this variant (Variation ID: 1719856). Invitae Evidence Modeling of protein sequence and biophysical properties (such as structural, functional, and spatial information, amino acid conservation, physicochemical variation, residue mobility, and thermodynamic stability) indicates that this missense variant is not expected to disrupt TBX1 protein function with a negative predictive value of 80%. In summary, the available evidence is currently insufficient to determine the role of this variant in disease. Therefore, it has been classified as a Variant of Uncertain Significance.

NM_001379200.1(TBX1):c.496A>G (p.Met166Val)

Gene: TBX1 (T-box transcription factor 1; plus strand). Cytogenetic location: 22q11.21.
Variant type: single nucleotide variant.
Coding change: c.496A>G on transcript NM_001379200.1 (MANE Select); coding-DNA position 496, A replaced by G.
Protein change: p.Met166Val; replaces methionine 166 with valine.
Molecular consequence: missense variant.
Genome position (GRCh38, 1-based): chr22:19,763,299, A>G. VCF-style: chr22-19763299-A-G. GRCh37 (hg19) VCF-style: chr22-19750822-A-G.
Other names: c.469A>G, p.Met157Val (NM_005992.1, NM_080646.2, NM_080647.1); short protein forms M157V, M166V.
Identifiers: ClinVar variation 1719856 (VCV001719856.5), dbSNP rs2517847694, ClinGen allele CA410682269.